The following is an entry in ClinVar:

NM_000163.5(GHR):c.11G>A (p.Trp4Ter)

Gene: GHR (growth hormone receptor; plus strand). Cytogenetic location: 5p12.
Variant type: single nucleotide variant.
Coding change: c.11G>A on transcript NM_000163.5 (MANE Select); coding-DNA position 11, G replaced by A.
Protein change: p.Trp4Ter; replaces tryptophan 4 with a stop codon.
Molecular consequence: nonsense.
Genome position (GRCh38, 1-based): chr5:42,565,885, G>A. VCF-style: chr5-42565885-G-A. GRCh37 (hg19) VCF-style: chr5-42565987-G-A.
Other names: c.32G>A, p.Trp11Ter (NM_001242399.2); c.11G>A, p.Trp4Ter (NM_001242400.2, NM_001242401.4, NM_001242402.2 and 6 more transcripts); short protein forms W11*, W4*.
Identifiers: ClinVar variation 2734725 (VCV002734725.3), dbSNP rs2478311889, ClinGen allele CA359694396.

ClinVar aggregate classification (germline): Pathogenic (1 of 4 stars; one submission).

Allele frequency attached by ClinVar (database versions not stated): gnomAD exomes below 0.00001.
gnomAD v4.1: 1 of 1,613,920 alleles (0.000062%); highest among the groups gnomAD compares: Non-Finnish European, 0.000085%; no homozygotes.

Submission:

Labcorp Genetics (formerly Invitae), Labcorp
Classification: Pathogenic. Last evaluated: 2023-02-14. Review status: criteria provided, single submitter. Criteria: Invitae Variant Classification Sherloc (09022015). Collection method: clinical testing. Allele origin: germline.
Comment: For these reasons, this variant has been classified as Pathogenic. This variant is also known as W-15X. This premature translational stop signal has been observed in individual(s) with Laron syndrome (PMID: 14594108). This variant is not present in population databases (gnomAD no frequency). This sequence change creates a premature translational stop signal (p.Trp4*) in the GHR gene. It is expected to result in an absent or disrupted protein product. Loss-of-function variants in GHR are known to be pathogenic (PMID: 1999489, 8488849).

Literature cited by the submitters: PubMed 14594108; PubMed 1999489; PubMed 8488849.